The following is an entry in ClinVar:

ClinVar aggregate classification (germline): Conflicting classifications of pathogenicity. Review status: criteria provided, conflicting classifications (1 of 4 stars). 2 submissions from 2 submitters: Uncertain significance (1); Likely benign (1). Last evaluated 2025-01-29.

Conditions:
Duchenne muscular dystrophy (DMD). Also called: Duchenne Muscular Dystrophy (DMD); MUSCULAR DYSTROPHY, PSEUDOHYPERTROPHIC PROGRESSIVE, DUCHENNE TYPE. Identifiers: Orphanet 98896, MedGen C0013264, MONDO:0010679, OMIM 310200.

Allele frequency attached by ClinVar (database versions not stated): gnomAD exomes 0.00001.
gnomAD v4.1: 5 of 1,209,167 alleles (0.00041%); highest among the groups gnomAD compares: Admixed American, 0.0022%; no homozygotes.

Submissions (2):

GeneDx
Classification: Uncertain significance. Last evaluated: 2025-01-29. Review status: criteria provided, single submitter. Criteria: GeneDx Variant Classification Process June 2021. Collection method: clinical testing. Allele origin: germline. Affected: yes.
Comment: Has not been previously published as pathogenic or benign to our knowledge; In silico analysis suggests this variant may impact gene splicing. In the absence of RNA/functional studies, the actual effect of this sequence change is unknown.

Labcorp Genetics (formerly Invitae), Labcorp
Classification: Likely benign for Duchenne muscular dystrophy. Last evaluated: 2023-07-10. Review status: criteria provided, single submitter. Criteria: Invitae Variant Classification Sherloc (09022015). Collection method: clinical testing. Allele origin: germline.

NM_004006.3(DMD):c.5449-8T>C

Gene: DMD (dystrophin; minus strand). Cytogenetic location: Xp21.1.
Variant type: single nucleotide variant.
Coding change: c.5449-8T>C on transcript NM_004006.3 (MANE Select); 8 bases into the intron before coding-DNA position 5449, T replaced by C.
Molecular consequence: intron variant.
Genome position (GRCh38, 1-based): chrX:32,346,088, A>G on the plus strand (T>C on the coding strand, the complement: DMD is on the minus strand). VCF-style: chrX-32346088-A-G. GRCh37 (hg19) VCF-style: chrX-32364205-A-G.
Other names: c.5425-8T>C (NM_000109.4); c.1426-8T>C (NM_004011.4); c.1417-8T>C (NM_004012.4); c.5437-8T>C (NM_004009.3); c.5080-8T>C (NM_004010.3).
Identifiers: ClinVar variation 1635869 (VCV001635869.9), dbSNP rs2147033589, ClinGen allele CA2573158798.
Genomic context (GRCh38, chrX:32,346,088, plus strand): 5'-AAGTTGTCTCCTCTTTGCAACAATTCTTTTACAGTACCCTCATTGTCTTCATTCTGATCA[A>G]AAACAACAAGTACAGTCTTCATTTTGGTTTTTAAAAAGCTGTACATTGTTAACAGAGATA-3'